The following is an entry in ClinVar:

ClinVar aggregate classification (germline): Benign (1 of 4 stars; one submission).

Submission:

CeGaT Center for Human Genetics Tuebingen
Classification: Benign. Last evaluated: 2022-10-01. Review status: criteria provided, single submitter. Criteria: CeGaT Center For Human Genetics Tuebingen Variant Classification Criteria Version 2. Collection method: clinical testing. Allele origin: germline. Affected: yes. Observed: 1 variant allele.
Comment: AHNAK: BS1, BS2

NM_001620.3(AHNAK):c.4097_4099del (p.Ile1366del)

Gene: AHNAK (AHNAK nucleoprotein; minus strand). Cytogenetic location: 11q12.3.
Variant type: Deletion.
Coding change: c.4097_4099del on transcript NM_001620.3 (MANE Select); coding-DNA positions 4097 to 4099, 3 bases deleted (TTA; older notation c.4097_4099delTTA).
Protein change: p.Ile1366del; deletes isoleucine 1366.
Molecular consequence: inframe deletion. On other transcripts: intron variant (1).
Genome position (GRCh38, 1-based): chr11:62,530,318-62,530,320, TAA deleted on the plus strand (TTA on the coding strand, the reverse complement: AHNAK is on the minus strand); deleting any 3 consecutive bases within chr11:62,530,318-62,530,321 gives the same sequence; the c. name uses the placement nearest the transcript's 3' end. VCF-style (leftmost placement, unchanged base first): chr11-62530317-CTAA-C. GRCh37 (hg19) VCF-style: chr11-62297789-CTAA-C.
Other names: c.4097_4099del, p.Ile1366del (NM_001346445.2, NM_001346446.2); c.342+4683_342+4685del (NM_024060.4); short protein forms I1366del.
Identifiers: ClinVar variation 2641877 (VCV002641877.24), dbSNP rs560518208, ClinGen allele CA6046202.